The following is an entry in ClinVar:

Conditions:
Breast-ovarian cancer, familial, susceptibility to, 1 (BROVCA1). Also called: BRCA1 Hereditary Breast and Ovarian Cancer; OVARIAN CANCER, SUSCEPTIBILITY TO. Identifiers: Orphanet 145, MedGen C2676676, MONDO:0011450, OMIM 604370. Disease mechanism: loss of function.

Submission:

Brotman Baty Institute, University of Washington
No classification provided (evidence only). Condition: Breast-ovarian cancer, familial 1. Review status: no classification provided. Collection method: in vitro. Allele origin: not applicable. Functional consequence: functionally_normal.
ClinVar note: "not provided" was previously submitted as the classification for the variant. However, the classification appeared to be based only on an observation of functional data so it was converted to no classification on 2025-07-30.

NM_007294.4(BRCA1):c.5407-11T>G

Gene: BRCA1 (BRCA1 DNA repair associated; minus strand). Cytogenetic location: 17q21.31.
Variant type: single nucleotide variant.
Coding change: c.5407-11T>G on transcript NM_007294.4 (MANE Select); 11 bases into the intron before coding-DNA position 5407, T replaced by G.
Molecular consequence: intron variant.
Genome position (GRCh38, 1-based): chr17:43,047,714, A>C on the plus strand (T>G on the coding strand, the complement: BRCA1 is on the minus strand). VCF-style: chr17-43047714-A-C. GRCh37 (hg19) VCF-style: chr17-41199731-A-C.
Other names: c.5071-11T>G (NM_001407950.1, NM_001407953.1, NM_001407955.1 and 3 more transcripts); c.5074-11T>G (NM_001407948.1, NM_001407947.1, NM_001407949.1 and 1 more transcripts); c.1885-11T>G (NM_001408484.1, NM_001408485.1, NM_001408483.1 and 5 more transcripts); c.1888-11T>G (NM_001408478.1, NM_001408480.1, NM_001408479.1); c.5194-11T>G (NM_001407907.1, NM_001407902.1, NM_001407897.1 and 12 more transcripts); c.5197-11T>G (NM_001407879.1, NM_001407882.1, NM_001407885.1 and 5 more transcripts); c.1969-11T>G (NM_001408450.1, NM_001408447.1, NM_001408446.1 and 2 more transcripts); c.1972-11T>G (NM_001408434.1, NM_001408440.1, NM_001408433.1 and 10 more transcripts); and 83 more.
Identifiers: ClinVar variation 868071 (VCV000868071.3), dbSNP rs1362166647, ClinGen allele CA916080792.